The following is an entry in ClinVar:

ClinVar aggregate classification (germline): Uncertain significance (1 of 4 stars; one submission).

Submission:

Dasa
Classification: Uncertain significance. Last evaluated: 2025-01-03. Review status: criteria provided, single submitter. Criteria: DASA Assertion Criteria. Collection method: clinical testing. Allele origin: germline.
Comment: NM_000132.4(F8):c.1462G>T (p.Ala488Ser) is a missense variant that results in the substitution of alanine with serine. This variant is absent from population databases. Computational prediction algorithms are consistent with a deleterious effect. The currently available literature and clinical evidence are not sufficient to establish a definitive association between this variant and the reported condition. Therefore, this variant is classified as a variant of uncertain significance.

NM_000132.4(F8):c.1462G>T (p.Ala488Ser)

Gene: F8 (coagulation factor VIII; minus strand). Cytogenetic location: Xq28.
Variant type: single nucleotide variant.
Coding change: c.1462G>T on transcript NM_000132.4 (MANE Select); coding-DNA position 1462, G replaced by T.
Protein change: p.Ala488Ser; replaces alanine 488 with serine.
Molecular consequence: missense variant.
Genome position (GRCh38, 1-based): chrX:154,961,150, C>A on the plus strand (G>T on the coding strand, the complement: F8 is on the minus strand). VCF-style: chrX-154961150-C-A. GRCh37 (hg19) VCF-style: chrX-154189425-C-A.
Other names: short protein forms A488S.
Identifiers: ClinVar variation 4882438 (VCV004882438.2).